The following is an entry in ClinVar:

NM_005045.4(RELN):c.2708C>T (p.Thr903Ile)

Gene: RELN (reelin; minus strand). Cytogenetic location: 7q22.1.
Variant type: single nucleotide variant.
Coding change: c.2708C>T on transcript NM_005045.4 (MANE Select); coding-DNA position 2708, C replaced by T.
Protein change: p.Thr903Ile; replaces threonine 903 with isoleucine.
Molecular consequence: missense variant.
Genome position (GRCh38, 1-based): chr7:103,611,798, G>A on the plus strand (C>T on the coding strand, the complement: RELN is on the minus strand). VCF-style: chr7-103611798-G-A. GRCh37 (hg19) VCF-style: chr7-103252245-G-A.
Other names: c.2708C>T, p.Thr903Ile (NM_173054.3); short protein forms T903I.
Identifiers: ClinVar variation 2938932 (VCV002938932.3), dbSNP rs2484753145, ClinGen allele CA368754901.

ClinVar aggregate classification (germline): Uncertain significance (1 of 4 stars; one submission).

Conditions:
Norman-Roberts syndrome (LIS2). Also called: Lissencephaly 2 (Norman-Roberts type). Identifiers: Orphanet 89844, MedGen C0796089, MONDO:0009760, OMIM 257320.
Familial temporal lobe epilepsy 7. Identifiers: Orphanet 101046, MedGen C4225327, MONDO:0014639, OMIM 616436.

Submission:

Labcorp Genetics (formerly Invitae), Labcorp
Classification: Uncertain significance for Familial temporal lobe epilepsy 7; Norman-Roberts syndrome. Last evaluated: 2023-01-19. Review status: criteria provided, single submitter. Criteria: Invitae Variant Classification Sherloc (09022015). Collection method: clinical testing. Allele origin: germline.
Comment: In summary, the available evidence is currently insufficient to determine the role of this variant in disease. Therefore, it has been classified as a Variant of Uncertain Significance. Advanced modeling of protein sequence and biophysical properties (such as structural, functional, and spatial information, amino acid conservation, physicochemical variation, residue mobility, and thermodynamic stability) performed at Invitae indicates that this missense variant is not expected to disrupt RELN protein function. This variant has not been reported in the literature in individuals affected with RELN-related conditions. This variant is not present in population databases (gnomAD no frequency). This sequence change replaces threonine, which is neutral and polar, with isoleucine, which is neutral and non-polar, at codon 903 of the RELN protein (p.Thr903Ile).